The following is an entry in ClinVar:

NM_022893.4(BCL11A):c.1488AGAGGAGGA[1] (p.Glu502_Glu504del)

Gene: BCL11A (BCL11 transcription factor A; minus strand). Cytogenetic location: 2p16.1.
Variant type: Microsatellite.
Coding change: c.1488AGAGGAGGA[1] on transcript NM_022893.4 (MANE Select); one copy of the 9-base unit AGAGGAGGA starting at c.1488; the reference has two copies in a row; one copy, 9 bases deleted.
Protein change: p.Glu502_Glu504del.
Molecular consequence: inframe deletion. On other transcripts: intron variant (6).
Genome position (GRCh38, 1-based): chr2:60,461,407-60,461,415, TCCTCCTCT deleted on the plus strand (AGAGGAGGA on the coding strand, the reverse complement: BCL11A is on the minus strand); deleting any 9 consecutive bases within chr2:60,461,407-60,461,426 gives the same sequence; the position shown is the placement nearest the transcript's 3' end. VCF-style (leftmost placement, unchanged base first): chr2-60461406-CTCCTCCTCT-C. GRCh37 (hg19) VCF-style: chr2-60688541-CTCCTCCTCT-C.
Other names: c.1332AGAGGAGGA[1], p.Glu450_Glu452del (NM_001405714.1, NM_001405715.1, NM_001405716.1 and 3 more transcripts); c.1230AGAGGAGGA[1], p.Glu416_Glu418del (NM_001405717.1, NM_001405718.1, NM_001405724.1); c.1386AGAGGAGGA[1], p.Glu468_Glu470del (NM_001405719.1, NM_001363864.1, NM_001365609.1 and 2 more transcripts); c.1155AGAGGAGGA[1], p.Glu391_Glu393del (NM_001405720.1, NM_001405721.1); c.1032AGAGGAGGA[1], p.Glu350_Glu352del (NM_001405725.1, NM_001405726.1, NM_001405727.1 and 1 more transcripts); c.795AGAGGAGGA[1], p.Glu271_Glu273del (NM_001405729.1); c.951AGAGGAGGA[1], p.Glu323_Glu325del (NM_001405730.1); c.495AGAGGAGGA[1], p.Glu171_Glu173del (NM_001405731.1); and 5 more.
Identifiers: ClinVar variation 3823652 (VCV003823652.1).
Genomic context (GRCh38, chr2:60,461,406, plus strand): 5'-CGCCGCCTCCAGGCTCAGCCCGAAGCCGTAGTCCACCCTCTCGCTCTCCGTCAGCTCCTC[CTCCTCCTCT>C]TCCTCCTCTTCTTCCTCTTCCTCGTCGTCCTCCTCTTCCTCCTCGTCCCCGTTCTCCGGG-3'

ClinVar aggregate classification (germline): Uncertain significance (1 of 4 stars; one submission).

Conditions:
Inborn genetic diseases. Identifiers: MedGen C0950123, MeSH D030342.

Submission:

Ambry Genetics
Classification: Uncertain significance for Inborn genetic diseases. Last evaluated: 2025-01-15. Review status: criteria provided, single submitter. Criteria: Ambry Variant Classification Scheme 2023. Collection method: clinical testing. Allele origin: germline.
Comment: The c.1497_1505delAGAGGAGGA (p.E502_E504del) alteration is located in exon 4 (coding exon 4) of the BCL11A gene. This alteration consists of an in-frame deletion of 9 nucleotides between nucleotide positions c.1497 and c.1505, resulting in the deletion of 3 residues. Based on insufficient or conflicting evidence, the clinical significance of this alteration remains unclear.